The following is an entry in ClinVar:

NM_002076.4(GNS):c.*814T>C

Gene: GNS (glucosamine (N-acetyl)-6-sulfatase; minus strand). Cytogenetic location: 12q14.3.
Variant type: single nucleotide variant.
Coding change: c.*814T>C on transcript NM_002076.4 (MANE Select); 814 bases downstream of the stop codon, T replaced by C.
Molecular consequence: 3 prime UTR variant.
Genome position (GRCh38, 1-based): chr12:64,715,927, A>G on the plus strand (T>C on the coding strand, the complement: GNS is on the minus strand). VCF-style: chr12-64715927-A-G. GRCh37 (hg19) VCF-style: chr12-65109707-A-G.
Identifiers: ClinVar variation 882316 (VCV000882316.4), dbSNP rs78614043, ClinGen allele CA238268614.

ClinVar aggregate classification (germline): Benign (1 of 4 stars; one submission).

Conditions:
Mucopolysaccharidosis, MPS-III-D (MPS3D). Also called: N-ACETYLGLUCOSAMINE-6-SULFATASE DEFICIENCY; SANFILIPPO SYNDROME D; MPS IIID (Sanfilippo Syndrome Type D); MUCOPOLYSACCHARIDOSIS, TYPE IIID; MPS III D; Mucopoly-saccharidosis type 3D. Identifiers: Orphanet 581, Orphanet 79272, MedGen C0086650, MONDO:0009658, OMIM 252940.

Allele frequency attached by ClinVar (database versions not stated): gnomAD 0.00744 and 0.00798; TOPMed 0.00849; 1000 Genomes Project 0.00899; 1000 Genomes Project 30x 0.00984.

Submission:

Illumina Laboratory Services, Illumina
Classification: Benign for Mucopolysaccharidosis, MPS-III-D. Last evaluated: 2018-01-13. Review status: criteria provided, single submitter. Criteria: ICSL Variant Classification Criteria 13 December 2019. Collection method: clinical testing. Allele origin: germline.
Comment: This variant was observed in the ICSL laboratory as part of a predisposition screen in an ostensibly healthy population. It had not been previously curated by ICSL or reported in the Human Gene Mutation Database (HGMD: prior to June 1st, 2018), and was therefore a candidate for classification through an automated scoring system. Utilizing variant allele frequency, disease prevalence and penetrance estimates, and inheritance mode, an automated score was calculated to assess if this variant is too frequent to cause the disease. Based on the score and internal cut-off values, a variant classified as benign is not then subjected to further curation. The score for this variant resulted in a classification of benign for this disease.